The following is an entry in ClinVar:

ClinVar aggregate classification (germline): Pathogenic/Likely pathogenic. Review status: criteria provided, multiple submitters, no conflicts (2 of 4 stars). 5 submissions from 5 submitters: Pathogenic (4); Likely pathogenic (1). Last evaluated 2026-02-24.

Conditions:
Familial cancer of breast. Also called: Hereditary breast cancer; BREAST CANCER, FAMILIAL; hereditary breast carcinoma. Identifiers: Orphanet 227535, MedGen C0346153, MONDO:0016419, OMIM 114480. Disease mechanism: loss of function.
Hereditary cancer-predisposing syndrome. Also called: Neoplastic Syndromes, Hereditary; Hereditary neoplastic syndrome; Tumor predisposition; Hereditary Cancer Syndrome. Identifiers: Orphanet 140162, MedGen C0027672, MeSH D009386, MONDO:0015356.
Ataxia-telangiectasia syndrome (AT). Also called: Ataxia telangiectasia (A-T); Cerebello-oculocutaneous telangiectasia; Immunodeficiency with ataxia telangiectasia; Ataxia-telangiectasia, complementation group D; ATAXIA-TELANGIECTASIA, COMPLEMENTATION GROUP A; ATAXIA-TELANGIECTASIA, FRESNO VARIANT. Identifiers: Orphanet 100, MedGen C0004135, MONDO:0008840, OMIM 208900.

Submissions (5):

Ambry Genetics
Classification: Pathogenic for Hereditary cancer-predisposing syndrome. Last evaluated: 2026-02-24. Review status: criteria provided, single submitter. Criteria: Ambry Variant Classification Scheme 2023. Collection method: clinical testing. Allele origin: germline.
Comment: The c.75_78delAGAA variant, located in coding exon 2 of the ATM gene, results from a deletion of 4 nucleotides at nucleotide positions 75 to 78, causing a translational frameshift with a predicted alternate stop codon (p.E26Lfs*7). This variant is considered to be rare based on population cohorts in the Genome Aggregation Database (gnomAD). This alteration is expected to result in loss of function by premature protein truncation or nonsense-mediated mRNA decay. As such, this alteration is interpreted as a disease-causing mutation.

Labcorp Genetics (formerly Invitae), Labcorp
Classification: Pathogenic for Ataxia-telangiectasia syndrome. Last evaluated: 2025-10-06. Review status: criteria provided, single submitter. Criteria: Invitae Variant Classification Sherloc (09022015). Collection method: clinical testing. Allele origin: germline.
Comment: This sequence change creates a premature translational stop signal (p.Glu26Leufs*7) in the ATM gene. It is expected to result in an absent or disrupted protein product. Loss-of-function variants in ATM are known to be pathogenic (PMID: 23807571, 25614872). This variant is not present in population databases (gnomAD no frequency). This variant has not been reported in the literature in individuals affected with ATM-related conditions. ClinVar contains an entry for this variant (Variation ID: 628283). RNA analysis provides insufficient evidence to determine the effect of this variant on ATM splicing (internal data). For these reasons, this variant has been classified as Pathogenic.

Myriad Genetics, Inc.
Classification: Pathogenic for Familial cancer of breast. Last evaluated: 2024-01-05. Review status: criteria provided, single submitter. Criteria: Myriad Autosomal Dominant, Autosomal Recessive and X-Linked Classification Criteria (2023). Collection method: clinical testing. Allele origin: unknown.
Comment: This variant is considered pathogenic. This variant creates a frameshift predicted to result in premature protein truncation.

Baylor Genetics
Classification: Likely pathogenic for Familial cancer of breast. Last evaluated: 2021-10-04. Review status: criteria provided, single submitter. Criteria: ACMG Guidelines, 2015. Collection method: clinical testing. Allele origin: unknown.

Color Diagnostics, LLC DBA Color Health
Classification: Pathogenic for Hereditary cancer-predisposing syndrome. Last evaluated: 2020-09-01. Review status: criteria provided, single submitter. Criteria: ACMG Guidelines, 2015. Collection method: clinical testing. Allele origin: germline.
Comment: This variant deletes 4 nucleotides in exon 3 of the ATM gene, creating a premature translation stop signal. This variant is expected to result in an absent or non-functional protein product. To our knowledge, functional studies have not been reported for this variant. This variant has not been identified in the general population by the Genome Aggregation Database (gnomAD). Loss of ATM function is a known mechanism of disease. Based on the available evidence, this variant is classified as Pathogenic.

Literature cited by the submitters: PubMed 23807571 (cited by Labcorp Genetics (formerly Invitae), Labcorp); PubMed 25614872 (cited by Labcorp Genetics (formerly Invitae), Labcorp).

NM_000051.4(ATM):c.75_78del

Gene: ATM (ATM serine/threonine kinase; plus strand). Cytogenetic location: 11q22.3.
Variant type: Microsatellite.
Coding change: c.75_78del on transcript NM_000051.4 (MANE Select); coding-DNA positions 75 to 78, 4 bases deleted (AGAA; older notation c.75_78delAGAA).
Molecular consequence: splice acceptor variant.
Genome position (GRCh38, 1-based): chr11:108,227,778-108,227,781, AGAA deleted; deleting any 4 consecutive bases within chr11:108,227,774-108,227,781 gives the same sequence; the c. name uses the placement nearest the transcript's 3' end. VCF-style (leftmost placement, unchanged base first): chr11-108227773-CAGAA-C. GRCh37 (hg19) VCF-style: chr11-108098500-CAGAA-C.
Other names: c.75_78delAGAA (NM_000051.3).
Identifiers: ClinVar variation 628283 (VCV000628283.10), dbSNP rs1565344409, ClinGen allele CA645597665.